The following is an entry in ClinVar:

ClinVar aggregate classification (germline): Uncertain significance (1 of 4 stars; one submission).

Allele frequency attached by ClinVar (database versions not stated): gnomAD 0.00005; TOPMed 0.00005; gnomAD exomes 0.00008.
gnomAD v4.1: 104 of 1,483,660 alleles (0.007%); highest among the groups gnomAD compares: Non-Finnish European, 0.0089%; no homozygotes.

Submission:

Labcorp Genetics (formerly Invitae), Labcorp
Classification: Uncertain significance. Last evaluated: 2024-12-24. Review status: criteria provided, single submitter. Criteria: Invitae Variant Classification Sherloc (09022015). Collection method: clinical testing. Allele origin: germline.
Comment: This sequence change replaces glutamic acid, which is acidic and polar, with lysine, which is basic and polar, at codon 1228 of the MYH7B protein (p.Glu1228Lys). This variant is present in population databases (rs768172602, gnomAD 0.01%). This variant has not been reported in the literature in individuals affected with MYH7B-related conditions. ClinVar contains an entry for this variant (Variation ID: 2170778). Invitae Evidence Modeling of protein sequence and biophysical properties (such as structural, functional, and spatial information, amino acid conservation, physicochemical variation, residue mobility, and thermodynamic stability) indicates that this missense variant is expected to disrupt MYH7B protein function with a positive predictive value of 80%. In summary, the available evidence is currently insufficient to determine the role of this variant in disease. Therefore, it has been classified as a Variant of Uncertain Significance.

NM_020884.7(MYH7B):c.3556G>A (p.Glu1186Lys)

Gene: MYH7B (myosin heavy chain 7B; plus strand). Cytogenetic location: 20q11.22.
Variant type: single nucleotide variant.
Coding change: c.3556G>A on transcript NM_020884.7 (MANE Select); coding-DNA position 3556, G replaced by A.
Protein change: p.Glu1186Lys; replaces glutamic acid 1186 with lysine.
Molecular consequence: missense variant.
Genome position (GRCh38, 1-based): chr20:34,997,449, G>A. VCF-style: chr20-34997449-G-A. GRCh37 (hg19) VCF-style: chr20-33585252-G-A.
Other names: short protein forms E1186K.
Identifiers: ClinVar variation 2170778 (VCV002170778.4), dbSNP rs768172602, ClinGen allele CA9827759.